The following is an entry in ClinVar:

NM_000153.4(GALC):c.1757G>A (p.Gly586Asp)

Gene: GALC (galactosylceramidase; minus strand). Cytogenetic location: 14q31.3.
Variant type: single nucleotide variant.
Coding change: c.1757G>A on transcript NM_000153.4 (MANE Select); coding-DNA position 1757, G replaced by A.
Protein change: p.Gly586Asp; replaces glycine 586 with aspartic acid.
Molecular consequence: missense variant.
Genome position (GRCh38, 1-based): chr14:87,941,472, C>T on the plus strand (G>A on the coding strand, the complement: GALC is on the minus strand). VCF-style: chr14-87941472-C-T. GRCh37 (hg19) VCF-style: chr14-88407816-C-T.
Other names: c.1688G>A, p.Gly563Asp (NM_001201401.2); c.1679G>A, p.Gly560Asp (NM_001201402.2); short protein forms G586D, G560D, G563D.
Identifiers: ClinVar variation 1503578 (VCV001503578.8), dbSNP rs2139941444, ClinGen allele CA390745744.

ClinVar aggregate classification (germline): Likely pathogenic (1 of 4 stars; one submission).

Conditions:
Galactosylceramide beta-galactosidase deficiency. Also called: Krabbe Disease; Leukodystrophy, Globoid Cell; GALACTOCEREBROSIDASE DEFICIENCY; GALC DEFICIENCY; GLOBOID CELL LEUKOENCEPHALOPATHY. Identifiers: Orphanet 487, MedGen C0023521, MONDO:0009499, OMIM 245200.

Submission:

Labcorp Genetics (formerly Invitae), Labcorp
Classification: Likely pathogenic for Galactosylceramide beta-galactosidase deficiency. Last evaluated: 2023-04-07. Review status: criteria provided, single submitter. Criteria: Invitae Variant Classification Sherloc (09022015). Collection method: clinical testing. Allele origin: germline.
Comment: Advanced modeling of protein sequence and biophysical properties (such as structural, functional, and spatial information, amino acid conservation, physicochemical variation, residue mobility, and thermodynamic stability) performed at Invitae indicates that this missense variant is expected to disrupt GALC protein function. In summary, the currently available evidence indicates that the variant is pathogenic, but additional data are needed to prove that conclusively. Therefore, this variant has been classified as Likely Pathogenic. ClinVar contains an entry for this variant (Variation ID: 1503578). This missense change has been observed in individual(s) with Krabbe disease (PMID: 28598007). This variant is not present in population databases (gnomAD no frequency). This sequence change replaces glycine, which is neutral and non-polar, with aspartic acid, which is acidic and polar, at codon 586 of the GALC protein (p.Gly586Asp).

Literature cited by the submitters: PubMed 28598007.